The following is an entry in ClinVar:

ClinVar aggregate classification (germline): Uncertain significance (1 of 4 stars; one submission).

gnomAD v4.1: 5 of 1,212,022 alleles (0.00041%); highest among the groups gnomAD compares: Non-Finnish European, 0.00045%; no homozygotes.

Submission:

Labcorp Genetics (formerly Invitae), Labcorp
Classification: Uncertain significance. Last evaluated: 2024-12-12. Review status: criteria provided, single submitter. Criteria: Invitae Variant Classification Sherloc (09022015). Collection method: clinical testing. Allele origin: germline.
Comment: This sequence change replaces arginine, which is basic and polar, with glutamine, which is neutral and polar, at codon 44 of the CCNQ protein (p.Arg44Gln). This variant is present in population databases (no rsID available, gnomAD 0.006%). This variant has not been reported in the literature in individuals affected with CCNQ-related conditions. An algorithm developed to predict the effect of missense changes on protein structure and function outputs the following: PolyPhen-2: "Not Available". The glutamine amino acid residue is found in multiple mammalian species, which suggests that this missense change does not adversely affect protein function. In summary, the available evidence is currently insufficient to determine the role of this variant in disease. Therefore, it has been classified as a Variant of Uncertain Significance.

NM_152274.5(CCNQ):c.131G>A (p.Arg44Gln)

Gene: CCNQ (cyclin Q; minus strand). Cytogenetic location: Xq28.
Variant type: single nucleotide variant.
Coding change: c.131G>A on transcript NM_152274.5 (MANE Select); coding-DNA position 131, G replaced by A.
Protein change: p.Arg44Gln; replaces arginine 44 with glutamine.
Molecular consequence: missense variant.
Genome position (GRCh38, 1-based): chrX:153,596,169, C>T on the plus strand (G>A on the coding strand, the complement: CCNQ is on the minus strand). VCF-style: chrX-153596169-C-T. GRCh37 (hg19) VCF-style: chrX-152861627-C-T.
Other names: c.131G>A, p.Arg44Gln (NM_001130997.3); short protein forms R44Q.
Identifiers: ClinVar variation 3700022 (VCV003700022.2).
Genomic context (GRCh38, chrX:153,596,169, plus strand): 5'-AGGTTGGTCTCGCAAAAGAACTTATGGTAAATGGTGCAAGCAGTGGCAATGGGAATGGAC[C>T]GCATCCCTAGCTTGACACCTGCGGAGAGAAAGCAGGCAAGAGAGGACTTCAATCCAGCGC-3'
Protein context (NP_689487.2, residues 34-54): IMEAGVKLGM[Arg44Gln]SIPIATACTI